The following is an entry in ClinVar:

NM_144596.4(TTC8):c.293del (p.Gly98fs)

Gene: TTC8 (tetratricopeptide repeat domain 8; plus strand). Cytogenetic location: 14q31.3.
Variant type: Deletion.
Coding change: c.293del on transcript NM_144596.4 (MANE Select); coding-DNA position 293, one base deleted (G; older notation c.293delG).
Protein change: p.Gly98fs; shifts the reading frame from glycine 98.
Molecular consequence: frameshift variant. On other transcripts: 5 prime UTR variant (2), non-coding transcript variant (1).
Genome position (GRCh38, 1-based): chr14:88,840,892, G deleted; the last of 2 consecutive G bases (chr14:88,840,891-88,840,892); deleting either gives the same sequence. VCF-style (leftmost placement, unchanged base first): chr14-88840890-TG-T. GRCh37 (hg19) VCF-style: chr14-89307234-TG-T.
Other names: c.293del (NM_144596.3); c.263del, p.Gly88fs (NM_001288781.1, NM_001366535.2, NM_001366536.2 and 2 more transcripts); c.-300del (NM_001288782.1); c.-395del (NM_001288783.1); short protein forms G98fs, G88fs.
Identifiers: ClinVar variation 1443806 (VCV001443806.8), dbSNP rs1271312946, ClinGen allele CA616111704.

ClinVar aggregate classification (germline): Pathogenic/Likely pathogenic. Review status: criteria provided, multiple submitters, no conflicts (2 of 4 stars). 3 submissions from 3 submitters: Pathogenic (1); Likely pathogenic (2). Last evaluated 2024-01-10.

Conditions:
Retinitis pigmentosa 51 (RP51). Identifiers: Orphanet 791, MedGen C3150715, MONDO:0013274, OMIM 613464.
Bardet-Biedl syndrome 8 (BBS8). Identifiers: Orphanet 110, MedGen C1859566, MONDO:0014436, OMIM 615985.
Bardet-Biedl syndrome (BBS). Identifiers: Orphanet 110, MedGen C0752166, MONDO:0015229.

Submissions (3):

Fulgent Genetics
Classification: Likely pathogenic for Retinitis pigmentosa 51; Bardet-Biedl syndrome 8. Last evaluated: 2024-01-10. Review status: criteria provided, single submitter. Criteria: ACMG Guidelines, 2015. Collection method: clinical testing. Allele origin: germline.

Baylor Genetics
Classification: Likely pathogenic for Retinitis pigmentosa 51. Last evaluated: 2023-12-20. Review status: criteria provided, single submitter. Criteria: ACMG Guidelines, 2015. Collection method: clinical testing. Allele origin: unknown.

Labcorp Genetics (formerly Invitae), Labcorp
Classification: Pathogenic for Bardet-Biedl syndrome. Last evaluated: 2021-10-17. Review status: criteria provided, single submitter. Criteria: Invitae Variant Classification Sherloc (09022015). Collection method: clinical testing. Allele origin: germline.
Comment: This sequence change creates a premature translational stop signal (p.Gly88Glufs*78) in the TTC8 gene. It is expected to result in an absent or disrupted protein product. Loss-of-function variants in TTC8 are known to be pathogenic (PMID: 16308660, 16877420, 19797195, 21052717, 30886724). For these reasons, this variant has been classified as Pathogenic. This variant has not been reported in the literature in individuals affected with TTC8-related conditions. This variant is not present in population databases (ExAC no frequency).

Literature cited by the submitters: PubMed 16308660 (cited by Labcorp Genetics (formerly Invitae), Labcorp); PubMed 16877420 (cited by Labcorp Genetics (formerly Invitae), Labcorp); PubMed 19797195 (cited by Labcorp Genetics (formerly Invitae), Labcorp); PubMed 21052717 (cited by Labcorp Genetics (formerly Invitae), Labcorp); PubMed 30886724 (cited by Labcorp Genetics (formerly Invitae), Labcorp).